The following is an entry in ClinVar:

NC_000008.11:g.67518048del

Gene: CPA6 (carboxypeptidase A6; minus strand). Cytogenetic location: 8q13.2.
Variant type: Deletion.
Genome position: GRCh38 VCF-style: chr8-67518046-AC-A. GRCh37 (hg19) VCF-style: chr8-68430281-AC-A.
Identifiers: ClinVar variation 3897586 (VCV003897586.1).
Genomic context (GRCh38, chr8:67,518,046, plus strand): 5'-TGGACATCAGTAACTGTTCCCTCTGATACATAGGAGATACTGCTGGGCTGCCACAGGTCC[AC>A]CTGTAGTGCAGGAACCAACCTATAATTCATATCCAACGTAGGGGGGGAAAATCTGTGTCA-3'

ClinVar aggregate classification (germline): Pathogenic (1 of 4 stars; one submission).

Conditions:
Intellectual disability. Also called: Intellectual functioning disability; intellectual disabilities; Intellectual developmental disorder. Identifiers: MedGen C3714756, MeSH D008607, MONDO:0001071, HP:0001249.

Submission:

Genetics Laboratory, UDIAT-Centre Diagnòstic, Hospital Universitari Parc Tauli
Classification: Pathogenic for intellectual disability. Last evaluated: 2022-07-20. Review status: criteria provided, single submitter. Criteria: ACMG Guidelines, 2015. Collection method: clinical testing. Allele origin: unknown. Inheritance: Autosomal dominant inheritance. Affected: yes.
Comment: PVS1_very strong;PM2_supporting;PM6_moderate